The following is an entry in ClinVar:

NM_017777.4(MKS1):c.852C>G (p.Phe284Leu)

Gene: MKS1 (MKS transition zone complex subunit 1; minus strand). Cytogenetic location: 17q22.
Variant type: single nucleotide variant.
Coding change: c.852C>G on transcript NM_017777.4 (MANE Select); coding-DNA position 852, C replaced by G.
Protein change: p.Phe284Leu; replaces phenylalanine 284 with leucine.
Molecular consequence: missense variant.
Genome position (GRCh38, 1-based): chr17:58,212,988, G>C on the plus strand (C>G on the coding strand, the complement: MKS1 is on the minus strand). VCF-style: chr17-58212988-G-C. GRCh37 (hg19) VCF-style: chr17-56290349-G-C.
Other names: c.243C>G, p.Phe81Leu (NM_001321268.2); c.852C>G, p.Phe284Leu (NM_001321269.2, NM_001330397.2, NM_001411113.1); short protein forms F81L, F284L.
Identifiers: ClinVar variation 2093680 (VCV002093680.4), dbSNP rs2509437896, ClinGen allele CA400326343.
Genomic context (GRCh38, chr17:58,212,988, plus strand): 5'-AGCTCCAGGCACTGAGGCTCATCCCTTGGATACTTGGAATGAACTTGCGCTTACATCCTT[G>C]AACACTCGCCGTTCCCGCTCCTCCTCCTCCGGCTGTGCGTGGGGGGAAACATTGTCGATC-3'
Protein context (NP_060247.2, residues 274-294): PEEEERERRV[Phe284Leu]KDLYGRHKEY

ClinVar aggregate classification (germline): Uncertain significance (1 of 4 stars; one submission).

Conditions:
Joubert syndrome. Also called: CEREBELLOPARENCHYMAL DISORDER IV; JOUBERT-BOLTSHAUSER SYNDROME; Familial aplasia of the vermis. Identifiers: Orphanet 475, MedGen C5979921, MONDO:0018772.
Meckel-Gruber syndrome. Also called: DYSENCEPHALIA SPLANCHNOCYSTICA; GRUBER SYNDROME; Dysencephalia splachnocystica. Identifiers: Orphanet 564, MedGen C0265215, MONDO:0018921.

Submission:

Labcorp Genetics (formerly Invitae), Labcorp
Classification: Uncertain significance for Joubert syndrome; Meckel-Gruber syndrome. Last evaluated: 2022-02-06. Review status: criteria provided, single submitter. Criteria: Invitae Variant Classification Sherloc (09022015). Collection method: clinical testing. Allele origin: germline.
Comment: In summary, the available evidence is currently insufficient to determine the role of this variant in disease. Therefore, it has been classified as a Variant of Uncertain Significance. Advanced modeling of protein sequence and biophysical properties (such as structural, functional, and spatial information, amino acid conservation, physicochemical variation, residue mobility, and thermodynamic stability) performed at Invitae indicates that this missense variant is not expected to disrupt MKS1 protein function. This variant has not been reported in the literature in individuals affected with MKS1-related conditions. This variant is not present in population databases (gnomAD no frequency). This sequence change replaces phenylalanine, which is neutral and non-polar, with leucine, which is neutral and non-polar, at codon 284 of the MKS1 protein (p.Phe284Leu).